The following is an entry in ClinVar:

ClinVar aggregate classification (germline): Likely benign (1 of 4 stars; one submission).

Allele frequency attached by ClinVar (database versions not stated): gnomAD 0.00030; 1000 Genomes Project 30x 0.00031; ExAC 0.00033; TOPMed 0.00034; 1000 Genomes Project 0.00040; ESP Exome Variant Server 0.00054; gnomAD exomes 0.00056.

Submission:

CeGaT Center for Human Genetics Tuebingen
Classification: Likely benign. Last evaluated: 2022-09-01. Review status: criteria provided, single submitter. Criteria: CeGaT Center For Human Genetics Tuebingen Variant Classification Criteria Version 2. Collection method: clinical testing. Allele origin: germline. Affected: yes. Observed: 1 variant allele.
Comment: ADAMTS14: BP4

NM_080722.4(ADAMTS14):c.445C>T (p.Arg149Trp)

Gene: ADAMTS14 (ADAM metallopeptidase with thrombospondin type 1 motif 14; plus strand). Cytogenetic location: 10q22.1.
Variant type: single nucleotide variant.
Coding change: c.445C>T on transcript NM_080722.4 (MANE Select); coding-DNA position 445, C replaced by T.
Protein change: p.Arg149Trp; replaces arginine 149 with tryptophan.
Molecular consequence: missense variant.
Genome position (GRCh38, 1-based): chr10:70,674,918, C>T. VCF-style: chr10-70674918-C-T. GRCh37 (hg19) VCF-style: chr10-72434674-C-T.
Other names: c.445C>T, p.Arg149Trp (NM_139155.3); short protein forms R149W.
Identifiers: ClinVar variation 2640556 (VCV002640556.24), dbSNP rs140711390, ClinGen allele CA5539262.
Genomic context (GRCh38, chr10:70,674,918, plus strand): 5'-GTGCCAGGATCCTCAGTGGAGTGGCAGGAGGATTTTCGGGAGCTGTTCCGGCAGCCCTTA[C>T]GGCAGGAGTGTGTGTACACTGGAGGTGTCACTGGAATGCCTGGGGCAGCTGTTGCCATCA-3'
Protein context (NP_542453.2, residues 139-159): DFRELFRQPL[Arg149Trp]QECVYTGGVT